The following is an entry in ClinVar:

NM_000465.4(BARD1):c.1281_1284del (p.Gly428fs)

Gene: BARD1 (BRCA1 associated RING domain 1; minus strand). Cytogenetic location: 2q35.
Variant type: Deletion.
Coding change: c.1281_1284del on transcript NM_000465.4 (MANE Select); coding-DNA positions 1281 to 1284, 4 bases deleted (AGGA; older notation c.1281_1284delAGGA).
Protein change: p.Gly428fs; shifts the reading frame from glycine 428.
Molecular consequence: frameshift variant. On other transcripts: non-coding transcript variant (2), intron variant (3).
Genome position (GRCh38, 1-based): chr2:214,780,590-214,780,593, TCCT deleted on the plus strand (AGGA on the coding strand, the reverse complement: BARD1 is on the minus strand). VCF-style (leftmost placement, unchanged base first): chr2-214780589-CTCCT-C. GRCh37 (hg19) VCF-style: chr2-215645313-CTCCT-C.
Other names: c.1224_1227del, p.Gly409fs (NM_001282543.2); c.159-28038_159-28035del (NM_001282548.2); c.215+16468_215+16471del (NM_001282545.2); c.364+11704_364+11707del (NM_001282549.2); short protein forms G409fs, G428fs.
Identifiers: ClinVar variation 530034 (VCV000530034.11), dbSNP rs1553622103, ClinGen allele CA658796155.

ClinVar aggregate classification (germline): Pathogenic. Review status: criteria provided, multiple submitters, no conflicts (2 of 4 stars). 2 submissions from 2 submitters: Pathogenic (2). Last evaluated 2023-05-22.

Conditions:
Familial cancer of breast. Also called: BREAST CANCER, FAMILIAL; Hereditary breast cancer; hereditary breast carcinoma. Identifiers: Orphanet 227535, MedGen C0346153, MONDO:0016419, OMIM 114480. Disease mechanism: loss of function.

Submissions (2):

Myriad Genetics, Inc.
Classification: Pathogenic for Familial cancer of breast. Last evaluated: 2023-05-22. Review status: criteria provided, single submitter. Criteria: Myriad Autosomal Dominant, Autosomal Recessive and X-Linked Classification Criteria (2023). Collection method: clinical testing. Allele origin: unknown.
Comment: This variant is considered pathogenic. This variant creates a frameshift predicted to result in premature protein truncation.

Labcorp Genetics (formerly Invitae), Labcorp
Classification: Pathogenic for Familial cancer of breast. Last evaluated: 2019-03-05. Review status: criteria provided, single submitter. Criteria: Invitae Variant Classification Sherloc (09022015). Collection method: clinical testing. Allele origin: germline.
Comment: For these reasons, this variant has been classified as Pathogenic. Loss-of-function variants in BARD1 are known to be pathogenic (PMID: 20077502, 21344236). This variant has not been reported in the literature in individuals with BARD1-related conditions. ClinVar contains an entry for this variant (Variation ID: 530034). This variant is not present in population databases (ExAC no frequency). This sequence change creates a premature translational stop signal (p.Gly428Argfs*46) in the BARD1 gene. It is expected to result in an absent or disrupted protein product.

Literature cited by the submitters: PubMed 20077502 (cited by Labcorp Genetics (formerly Invitae), Labcorp); PubMed 21344236 (cited by Labcorp Genetics (formerly Invitae), Labcorp).